The following is an entry in ClinVar:

NM_002439.5(MSH3):c.653C>T (p.Ser218Phe)

Gene: MSH3 (mutS homolog 3; plus strand). Cytogenetic location: 5q14.1.
Variant type: single nucleotide variant.
Coding change: c.653C>T on transcript NM_002439.5 (MANE Select); coding-DNA position 653, C replaced by T.
Protein change: p.Ser218Phe; replaces serine 218 with phenylalanine.
Molecular consequence: missense variant.
Genome position (GRCh38, 1-based): chr5:80,670,170, C>T. VCF-style: chr5-80670170-C-T. GRCh37 (hg19) VCF-style: chr5-79965989-C-T.
Other names: short protein forms S218F.
Identifiers: ClinVar variation 644433 (VCV000644433.16), dbSNP rs749571333, ClinGen allele CA3327666.

ClinVar aggregate classification (germline): Uncertain significance. Review status: criteria provided, multiple submitters, no conflicts (2 of 4 stars). 4 submissions from 4 submitters: Uncertain significance (4). Last evaluated 2026-01-20.

Conditions:
Hereditary cancer-predisposing syndrome. Also called: Neoplastic Syndromes, Hereditary; Tumor predisposition; Hereditary neoplastic syndrome; Hereditary Cancer Syndrome. Identifiers: Orphanet 140162, MedGen C0027672, MeSH D009386, MONDO:0015356.
Endometrial carcinoma. Also called: Endometrial carcinoma, somatic. Identifiers: MedGen C0476089, MONDO:0002447, OMIM 608089, HP:0012114.

Allele frequency attached by ClinVar (database versions not stated): gnomAD exomes below 0.00001 and 0.00002; gnomAD 0.00001; TOPMed 0.00002; ExAC 0.00003.
gnomAD v4.1: 6 of 1,613,964 alleles (0.00037%); highest among the groups gnomAD compares: East Asian, 0.013%; no homozygotes.

Submissions (4):

Labcorp Genetics (formerly Invitae), Labcorp
Classification: Uncertain significance. Last evaluated: 2026-01-20. Review status: criteria provided, single submitter. Criteria: Invitae Variant Classification Sherloc (09022015). Collection method: clinical testing. Allele origin: germline.
Comment: This sequence change replaces serine, which is neutral and polar, with phenylalanine, which is neutral and non-polar, at codon 218 of the MSH3 protein (p.Ser218Phe). This variant is present in population databases (rs749571333, gnomAD 0.03%). This variant has not been reported in the literature in individuals affected with MSH3-related conditions. ClinVar contains an entry for this variant (Variation ID: 644433). An algorithm developed to predict the effect of missense changes on protein structure and function (PolyPhen-2) suggests that this variant is likely to be tolerated. In summary, the available evidence is currently insufficient to determine the role of this variant in disease. Therefore, it has been classified as a Variant of Uncertain Significance.

Ambry Genetics
Classification: Uncertain significance for Hereditary cancer-predisposing syndrome. Last evaluated: 2025-10-15. Review status: criteria provided, single submitter. Criteria: Ambry Variant Classification Scheme 2023. Collection method: clinical testing. Allele origin: germline.
Comment: The p.S218F variant (also known as c.653C>T), located in coding exon 4 of the MSH3 gene, results from a C to T substitution at nucleotide position 653. The serine at codon 218 is replaced by phenylalanine, an amino acid with highly dissimilar properties. This amino acid position is not well conserved in available vertebrate species. In addition, this alteration is predicted to be tolerated by in silico analysis. Based on the available evidence, the clinical significance of this variant remains unclear.

GeneDx
Classification: Uncertain significance. Last evaluated: 2024-04-03. Review status: criteria provided, single submitter. Criteria: GeneDx Variant Classification Process June 2021. Collection method: clinical testing. Allele origin: germline. Affected: yes.
Comment: In silico analysis supports that this missense variant has a deleterious effect on protein structure/function; Has not been previously published as pathogenic or benign to our knowledge

Baylor Genetics
Classification: Uncertain significance for Endometrial carcinoma. Last evaluated: 2023-09-29. Review status: criteria provided, single submitter. Criteria: ACMG Guidelines, 2015. Collection method: clinical testing. Allele origin: unknown.